The following is an entry in ClinVar:

NM_017934.7(PHIP):c.1096-14_1096-7del

Gene: PHIP (PHIP subunit of CUL4-Ring ligase complex; minus strand). Cytogenetic location: 6q14.1.
Variant type: Microsatellite.
Coding change: c.1096-14_1096-7del on transcript NM_017934.7 (MANE Select); 14 bases into the intron before coding-DNA position 1096 through 7 bases into the intron before coding-DNA position 1096, 8 bases deleted (TTGTTTAT; older notation c.1096-14_1096-7delTTGTTTAT).
Molecular consequence: intron variant.
Genome position (GRCh38, 1-based): chr6:79,017,393-79,017,400, ATAAACAA deleted on the plus strand (TTGTTTAT on the coding strand, the reverse complement: PHIP is on the minus strand); deleting any 8 consecutive bases within chr6:79,017,393-79,017,409 gives the same sequence; the c. name uses the placement nearest the transcript's 3' end. VCF-style (leftmost placement, unchanged base first): chr6-79017392-TATAAACAA-T. GRCh37 (hg19) VCF-style: chr6-79727109-TATAAACAA-T.
Identifiers: ClinVar variation 4082480 (VCV004082480.2).

ClinVar aggregate classification (germline): Uncertain significance (1 of 4 stars; one submission).

Submission:

Genetic Services Laboratory, University of Chicago
Classification: Uncertain significance. Last evaluated: 2023-04-06. Review status: criteria provided, single submitter. Criteria: ACMG Guidelines, 2015. Collection method: clinical testing. Allele origin: germline. Affected: no.
Comment: DNA sequence analysis of the PHIP gene demonstrated a sequence change in intron 11, c.1096-14_1096-7del. This change does not appear to have been previously described in individuals with PHIP-related disorders. This sequence change has been described in the gnomAD database with a frequency of 0.0008% in the overall population (dbSNP rs778842567). This sequence change is not predicted to have a deleterious effect on splicing based on in-silico splice prediction programs. It is possible that this sequence change represents a benign sequence change in the PHIP gene that has not been identified to date. The functional significance of this sequence change is not known at present.